The following is an entry in ClinVar:

NM_001414.3(EIF2B1):c.-164G>A

Genes: EIF2B1 (eukaryotic translation initiation factor 2B subunit alpha; minus strand), LOC130009115 (ATAC-STARR-seq lymphoblastoid active region 7273; plus strand). Cytogenetic location: 12q24.31.
Variant type: single nucleotide variant.
Coding change: c.-164G>A on transcript NM_001414.3; 164 bases upstream of the start codon, G replaced by A.
Genome position (GRCh38, 1-based): chr12:123,633,721, C>T on the plus strand (G>A on the coding strand, the complement: EIF2B1 is on the minus strand). VCF-style: chr12-123633721-C-T. GRCh37 (hg19) VCF-style: chr12-124118268-C-T.
Identifiers: ClinVar variation 881641 (VCV000881641.7), dbSNP rs112250456, ClinGen allele CA245158975.

ClinVar aggregate classification (germline): Likely benign. Review status: criteria provided, multiple submitters, no conflicts (2 of 4 stars). 2 submissions from 2 submitters: Likely benign (2). Last evaluated 2018-01-12.

Conditions:
Vanishing white matter disease. Also called: Childhood ataxia with diffuse central nervous system hypomyelination; Leukoencephalopathy with vanishing white matter; CACH/VWM syndrome; Cree leukoencehalopathy; CACH syndrome. Identifiers: Orphanet 135, Orphanet 99853, MedGen C1858991, MONDO:0800448.

Allele frequency attached by ClinVar (database versions not stated): 1000 Genomes Project 30x 0.00234; gnomAD 0.00242 and 0.00255; TOPMed 0.00244; 1000 Genomes Project 0.00260.

Submissions (2):

Illumina Laboratory Services, Illumina
Classification: Likely benign for Leukoencephalopathy with vanishing white matter 1. Last evaluated: 2018-01-12. Review status: criteria provided, single submitter. Criteria: ICSL Variant Classification Criteria 13 December 2019. Collection method: clinical testing. Allele origin: germline.
Comment: This variant was observed in the ICSL laboratory as part of a predisposition screen in an ostensibly healthy population. It had not been previously curated by ICSL or reported in the Human Gene Mutation Database (HGMD: prior to June 1st, 2018), and was therefore a candidate for classification through an automated scoring system. Utilizing variant allele frequency, disease prevalence and penetrance estimates, and inheritance mode, an automated score was calculated to assess if this variant is too frequent to cause the disease. Based on the score and internal cut-off values, a variant classified as likely benign is not then subjected to further curation. The score for this variant resulted in a classification of likely benign for this disease.

Breakthrough Genomics
Classification: Likely benign. Review status: criteria provided, single submitter. Criteria: ACMG Guidelines, 2015. Collection method: not provided. Allele origin: germline. Inheritance: Autosomal recessive inheritance. Affected: yes.